The following is an entry in ClinVar:

NM_001199107.2(TBC1D24):c.*3959G>A

Gene: TBC1D24 (TBC1 domain family member 24; plus strand). Cytogenetic location: 16p13.3.
Variant type: single nucleotide variant.
Coding change: c.*3959G>A on transcript NM_001199107.2 (MANE Select); 3959 bases downstream of the stop codon, G replaced by A.
Molecular consequence: 3 prime UTR variant.
Genome position (GRCh38, 1-based): chr16:2,504,917, G>A. VCF-style: chr16-2504917-G-A. GRCh37 (hg19) VCF-style: chr16-2554918-G-A.
Other names: c.*3959G>A (NM_020705.3).
Identifiers: ClinVar variation 318699 (VCV000318699.5), dbSNP rs550975150, ClinGen allele CA10643333.

ClinVar aggregate classification (germline): Likely benign (1 of 4 stars; one submission).

Conditions:
Familial infantile myoclonic epilepsy (FIME). Also called: TBC1D24-Related Familial Infantile Myoclonic Epilepsy (FIME); Epilepsy, Myoclonic, Infantile. Identifiers: Orphanet 352582, MedGen C0917800, MONDO:0011506, OMIM 605021.

Allele frequency attached by ClinVar (database versions not stated): gnomAD 0.00001; 1000 Genomes Project 0.00060; TOPMed 0.00001; 1000 Genomes Project 30x 0.00047.

Submission:

Illumina Laboratory Services, Illumina
Classification: Likely benign for Familial infantile myoclonic epilepsy. Last evaluated: 2018-01-12. Review status: criteria provided, single submitter. Criteria: ICSL Variant Classification Criteria 13 December 2019. Collection method: clinical testing. Allele origin: germline.
Comment: This variant was observed in the ICSL laboratory as part of a predisposition screen in an ostensibly healthy population. It had not been previously curated by ICSL or reported in the Human Gene Mutation Database (HGMD: prior to June 1st, 2018), and was therefore a candidate for classification through an automated scoring system. Utilizing variant allele frequency, disease prevalence and penetrance estimates, and inheritance mode, an automated score was calculated to assess if this variant is too frequent to cause the disease. Based on the score and internal cut-off values, a variant classified as likely benign is not then subjected to further curation. The score for this variant resulted in a classification of likely benign for this disease.